The following is an entry in ClinVar:

ClinVar aggregate classification (germline): Likely benign (0 of 4 stars; one submission).

Conditions:
UQCRC1-related disorder. Also called: UQCRC1-related condition.

Allele frequency attached by ClinVar (database versions not stated): 1000 Genomes Project 30x 0.00047; 1000 Genomes Project 0.00060; ExAC 0.00231; TOPMed 0.00237; gnomAD 0.00246; ESP Exome Variant Server 0.00338; gnomAD exomes 0.00341.

Submission:

PreventionGenetics, part of Exact Sciences
Classification: Likely benign for UQCRC1-related condition. Last evaluated: 2022-02-04. Review status: no assertion criteria provided. Collection method: clinical testing. Allele origin: germline.
Comment: This variant is classified as likely benign based on ACMG/AMP sequence variant interpretation guidelines (Richards et al. 2015 PMID: 25741868, with internal and published modifications).

NM_003365.3(UQCRC1):c.902A>G (p.Asn301Ser)

Gene: UQCRC1 (ubiquinol-cytochrome c reductase core protein 1; minus strand). Cytogenetic location: 3p21.31.
Variant type: single nucleotide variant.
Coding change: c.902A>G on transcript NM_003365.3 (MANE Select); coding-DNA position 902, A replaced by G.
Protein change: p.Asn301Ser; replaces asparagine 301 with serine.
Molecular consequence: missense variant.
Genome position (GRCh38, 1-based): chr3:48,601,039, T>C on the plus strand (A>G on the coding strand, the complement: UQCRC1 is on the minus strand). VCF-style: chr3-48601039-T-C. GRCh37 (hg19) VCF-style: chr3-48638472-T-C.
Other names: short protein forms N301S.
Identifiers: ClinVar variation 3042768 (VCV003042768.2), dbSNP rs144710790, ClinGen allele CA2381951.